The following is an entry in ClinVar:

ClinVar aggregate classification (germline): Uncertain significance. Review status: criteria provided, multiple submitters, no conflicts (2 of 4 stars). 3 submissions from 3 submitters: Uncertain significance (3). Last evaluated 2026-02-03.

Conditions:
DICER1-related tumor predisposition. Also called: DICER1-related pleuropulmonary blastoma cancer predisposition syndrome; DICER1 syndrome. Identifiers: Orphanet 284343, MedGen C3839822, MONDO:0100216.
Global developmental delay - lung cysts - overgrowth - Wilms tumor syndrome. Also called: GLOW Syndrome; GLOBAL DEVELOPMENTAL DELAY, LUNG CYSTS, OVERGROWTH, AND WILMS TUMOR. Identifiers: Orphanet 404476, MedGen C4748924, MONDO:0018445, OMIM 618272.
Hereditary cancer-predisposing syndrome. Also called: Hereditary neoplastic syndrome; Neoplastic Syndromes, Hereditary; Tumor predisposition; Hereditary Cancer Syndrome. Identifiers: Orphanet 140162, MedGen C0027672, MeSH D009386, MONDO:0015356.

Allele frequency attached by ClinVar (database versions not stated): gnomAD exomes below 0.00001 and 0.00001; TOPMed below 0.00001; gnomAD 0.00001.
gnomAD v4.1: 4 of 1,613,790 alleles (0.00025%); highest among the groups gnomAD compares: East Asian, 0.0067%; no homozygotes.

Submissions (3):

Labcorp Genetics (formerly Invitae), Labcorp
Classification: Uncertain significance for DICER1-related tumor predisposition. Last evaluated: 2026-02-03. Review status: criteria provided, single submitter. Criteria: Invitae Variant Classification Sherloc (09022015). Collection method: clinical testing. Allele origin: germline.
Comment: This sequence change replaces histidine, which is basic and polar, with arginine, which is basic and polar, at codon 335 of the DICER1 protein (p.His335Arg). This variant is present in population databases (no rsID available, gnomAD 0.01%). This variant has not been reported in the literature in individuals affected with DICER1-related conditions. ClinVar contains an entry for this variant (Variation ID: 412072). Invitae Evidence Modeling of protein sequence and biophysical properties (such as structural, functional, and spatial information, amino acid conservation, physicochemical variation, residue mobility, and thermodynamic stability) indicates that this missense variant is not expected to disrupt DICER1 protein function with a negative predictive value of 95%. In summary, the available evidence is currently insufficient to determine the role of this variant in disease. Therefore, it has been classified as a Variant of Uncertain Significance.

Baylor Genetics
Classification: Uncertain significance for Global developmental delay - lung cysts - overgrowth - Wilms tumor syndrome. Last evaluated: 2023-11-10. Review status: criteria provided, single submitter. Criteria: ACMG Guidelines, 2015. Collection method: clinical testing. Allele origin: unknown.

Ambry Genetics
Classification: Uncertain significance for Hereditary cancer-predisposing syndrome. Last evaluated: 2022-09-27. Review status: criteria provided, single submitter. Criteria: Ambry Variant Classification Scheme 2023. Collection method: clinical testing. Allele origin: germline.
Comment: The p.H335R variant (also known as c.1004A>G), located in coding exon 7 of the DICER1 gene, results from an A to G substitution at nucleotide position 1004. The histidine at codon 335 is replaced by arginine, an amino acid with highly similar properties. This amino acid position is highly conserved in available vertebrate species. In addition, this alteration is predicted to be tolerated by in silico analysis. Since supporting evidence is limited at this time, the clinical significance of this alteration remains unclear.

NM_177438.3(DICER1):c.1004A>G (p.His335Arg)

Gene: DICER1 (dicer 1, ribonuclease III; minus strand). Cytogenetic location: 14q32.13.
Variant type: single nucleotide variant.
Coding change: c.1004A>G on transcript NM_177438.3 (MANE Select); coding-DNA position 1004, A replaced by G.
Protein change: p.His335Arg; replaces histidine 335 with arginine.
Molecular consequence: missense variant.
Genome position (GRCh38, 1-based): chr14:95,124,568, T>C on the plus strand (A>G on the coding strand, the complement: DICER1 is on the minus strand). VCF-style: chr14-95124568-T-C. GRCh37 (hg19) VCF-style: chr14-95590905-T-C.
Other names: c.1004A>G, p.His335Arg (NM_001195573.1, NM_001271282.3, NM_001291628.2 and 1 more transcripts); short protein forms H335R.
Identifiers: ClinVar variation 412072 (VCV000412072.15), dbSNP rs1060503602, ClinGen allele CA16614714.